The following is an entry in ClinVar:

NM_022041.4(GAN):c.1494G>C (p.Glu498Asp)

Gene: GAN (gigaxonin; plus strand). Cytogenetic location: 16q23.2.
Variant type: single nucleotide variant.
Coding change: c.1494G>C on transcript NM_022041.4 (MANE Select); coding-DNA position 1494, G replaced by C.
Protein change: p.Glu498Asp; replaces glutamic acid 498 with aspartic acid.
Molecular consequence: missense variant.
Genome position (GRCh38, 1-based): chr16:81,365,470, G>C. VCF-style: chr16-81365470-G-C. GRCh37 (hg19) VCF-style: chr16-81399075-G-C.
Other names: c.855G>C, p.Glu285Asp (NM_001377486.1); short protein forms E498D, E285D.
Identifiers: ClinVar variation 663546 (VCV000663546.10), dbSNP rs755423556, ClinGen allele CA8191778.

ClinVar aggregate classification (germline): Uncertain significance (1 of 4 stars; one submission).

Conditions:
Giant axonal neuropathy 1 (GAN1). Also called: GIANT AXONAL NEUROPATHY 1, AUTOSOMAL RECESSIVE; GAN-Related Neurodegeneration. Identifiers: Orphanet 643, MedGen C1850386, MONDO:0009749, OMIM 256850.

Allele frequency attached by ClinVar (database versions not stated): gnomAD exomes 0.00001; TOPMed 0.00001; ExAC 0.00002.
gnomAD v4.1: 3 of 1,613,452 alleles (0.00019%); highest among the groups gnomAD compares: Non-Finnish European, 0.00025%; no homozygotes.

Submission:

Labcorp Genetics (formerly Invitae), Labcorp
Classification: Uncertain significance for Giant axonal neuropathy 1. Last evaluated: 2023-11-24. Review status: criteria provided, single submitter. Criteria: Invitae Variant Classification Sherloc (09022015). Collection method: clinical testing. Allele origin: germline.
Comment: This sequence change replaces glutamic acid, which is acidic and polar, with aspartic acid, which is acidic and polar, at codon 498 of the GAN protein (p.Glu498Asp). This variant is present in population databases (rs755423556, gnomAD 0.002%). This variant has not been reported in the literature in individuals affected with GAN-related conditions. ClinVar contains an entry for this variant (Variation ID: 663546). An algorithm developed to predict the effect of missense changes on protein structure and function (PolyPhen-2) suggests that this variant is likely to be tolerated. In summary, the available evidence is currently insufficient to determine the role of this variant in disease. Therefore, it has been classified as a Variant of Uncertain Significance.